The following is an entry in ClinVar:

NM_000088.4(COL1A1):c.1486_1487del (p.Pro496fs)

Gene: COL1A1 (collagen type I alpha 1 chain; minus strand). Cytogenetic location: 17q21.33.
Variant type: Deletion.
Coding change: c.1486_1487del on transcript NM_000088.4 (MANE Select); coding-DNA positions 1486 to 1487, 2 bases deleted (CC; older notation c.1486_1487delCC).
Protein change: p.Pro496fs; shifts the reading frame from proline 496.
Molecular consequence: frameshift variant.
Genome position (GRCh38, 1-based): chr17:50,194,601-50,194,602, GG deleted on the plus strand (CC on the coding strand, the reverse complement: COL1A1 is on the minus strand); deleting any 2 consecutive bases within chr17:50,194,601-50,194,603 gives the same sequence; the c. name uses the placement nearest the transcript's 3' end. VCF-style (leftmost placement, unchanged base first): chr17-50194600-AGG-A. GRCh37 (hg19) VCF-style: chr17-48271961-AGG-A.
Other names: short protein forms P496fs.
Identifiers: ClinVar variation 4710410 (VCV004710410.1).

ClinVar aggregate classification (germline): Pathogenic (1 of 4 stars; one submission).

Conditions:
Osteogenesis imperfecta type I (OI1). Also called: OI, TYPE I; OSTEOGENESIS IMPERFECTA TARDA; OSTEOGENESIS IMPERFECTA WITH BLUE SCLERAE; Osteogenesis imperfecta type 1; Classic Non-deforming Osteogenesis Imperfecta with Blue Sclerae; Lobstein's Disease. Identifiers: Orphanet 216796, Orphanet 666, MedGen C0023931, MONDO:0008146, OMIM 166200. Disease mechanism: loss of function.

Submission:

Labcorp Genetics (formerly Invitae), Labcorp
Classification: Pathogenic for Osteogenesis imperfecta type I. Last evaluated: 2025-09-10. Review status: criteria provided, single submitter. Criteria: Invitae Variant Classification Sherloc (09022015). Collection method: clinical testing. Allele origin: germline.
Comment: This sequence change creates a premature translational stop signal (p.Pro496Trpfs*14) in the COL1A1 gene. It is expected to result in an absent or disrupted protein product. Loss-of-function variants in COL1A1 are known to be pathogenic (PMID: 7942841, 9295084, 9443882). This variant is not present in population databases (gnomAD no frequency). This premature translational stop signal has been observed in individual(s) with osteogenesis imperfecta (PMID: 7942841). For these reasons, this variant has been classified as Pathogenic.

Literature cited by the submitters: PubMed 7942841; PubMed 9295084; PubMed 9443882.